The following is an entry in ClinVar:

NM_005343.4(HRAS):c.111+15G>A

Genes: HRAS (HRas proto-oncogene, GTPase; minus strand), LRRC56 (leucine rich repeat containing 56; plus strand). Cytogenetic location: 11p15.5.
Variant type: single nucleotide variant.
Coding change: c.111+15G>A on transcript NM_005343.4 (MANE Select); 15 bases into the intron after coding-DNA position 111, G replaced by A.
Molecular consequence: intron variant.
Genome position (GRCh38, 1-based): chr11:534,197, C>T on the plus strand (G>A on the coding strand, the complement: HRAS is on the minus strand). VCF-style: chr11-534197-C-T. GRCh37 (hg19) VCF-style: chr11-534197-C-T.
Other names: c.111+15G>A (NM_001130442.3, NM_176795.5); c.-209+15G>A (NM_001318054.2).
Identifiers: ClinVar variation 40432 (VCV000040432.40), dbSNP rs41258054, ClinGen allele CA135971.

ClinVar aggregate classification (germline): Benign. Review status: criteria provided, multiple submitters, no conflicts (2 of 4 stars). 12 submissions from 12 submitters: Benign (9). 3 of the submissions do not count toward it. Last evaluated 2026-02-04.

Conditions:
Costello syndrome (CSTLO). Also called: FACIOCUTANEOSKELETAL SYNDROME; FCS SYNDROME; HRAS-Related Costello Syndrome. Identifiers: Orphanet 3071, MedGen C0587248, MONDO:0009026, OMIM 218040.

Allele frequency attached by ClinVar (database versions not stated): 1000 Genomes Project 30x 0.07433; 1000 Genomes Project 0.07668; ESP Exome Variant Server 0.03207; gnomAD 0.04363 and 0.04772; gnomAD exomes 0.05423 and 0.07389; TOPMed 0.05430; ExAC 0.06758.
gnomAD v4.1: 85,683 of 1,589,506 alleles (5.4%); highest among the groups gnomAD compares: Admixed American, 17%; 3,457 homozygotes.

Submissions (12):

Labcorp Genetics (formerly Invitae), Labcorp
Classification: Benign for Costello syndrome. Last evaluated: 2026-02-04. Review status: criteria provided, single submitter. Criteria: Invitae Variant Classification Sherloc (09022015). Collection method: clinical testing. Allele origin: germline.

ARUP Laboratories, Molecular Genetics and Genomics, ARUP Laboratories
Classification: Benign. Last evaluated: 2025-07-23. Review status: criteria provided, single submitter. Criteria: ARUP Molecular Germline Variant Investigation Process 2024. Collection method: clinical testing. Allele origin: germline.

Blueprint Genetics
Classification: Benign. Last evaluated: 2024-11-27. Review status: criteria provided, single submitter. Criteria: ACMG Guidelines, 2015. Collection method: clinical testing. Allele origin: germline.

Women's Health and Genetics/Laboratory Corporation of America, LabCorp
Classification: Benign. Last evaluated: 2019-08-12. Review status: criteria provided, single submitter. Criteria: LabCorp Variant Classification Summary - May 2015. Collection method: clinical testing. Allele origin: germline.
Comment: Variant summary: HRAS c.111+15G>A alters a non-conserved nucleotide located close to a canonical splice site and therefore could affect mRNA splicing, leading to a significantly altered protein sequence. 5/5 computational tools predict no significant impact on normal splicing. However, these predictions have yet to be confirmed by functional studies. The variant allele was found at a frequency of 0.074 in 248758 control chromosomes, predominantly at a frequency of 0.19 within the Latino subpopulation in the gnomAD database, including 688 homozygotes. The observed variant frequency within Latino control individuals in the gnomAD database is approximately 80000-folds over the estimated maximal expected allele frequency for a pathogenic variant in HRAS causing Noonan Syndrome and Related Conditions phenotype (2.5e-06), strongly suggesting that the variant is a benign polymorphism found primarily in populations of Latino origin. No clinical diagnostic laboratories have submitted clinical-significance assessments for this variant to ClinVar after 2014. Based on the evidence outlined above, the variant was classified as benign.

GeneDx
Classification: Benign. Last evaluated: 2015-03-03. Review status: criteria provided, single submitter. Criteria: GeneDx Variant Classification Process June 2021. Collection method: clinical testing. Allele origin: germline. Affected: yes.

Eurofins Ntd Llc (ga)
Classification: Benign. Last evaluated: 2013-08-21. Review status: criteria provided, single submitter. Criteria: EGL Classification Definitions 2015. Collection method: clinical testing. Allele origin: germline. Observed: 1 variant allele, 1 heterozygote.

Laboratory for Molecular Medicine, Mass General Brigham Personalized Medicine
Classification: Benign. Last evaluated: 2012-03-19. Review status: criteria provided, single submitter. Criteria: LMM Criteria. Collection method: clinical testing. Allele origin: germline. Observed: 190 variant alleles.
Comment: c.111+15G>A in Intron 02 of HRAS: This variant is not expected to have clinical significance because it is not located within the splice consensus sequence and has been identified in 4.1% (291/7016) of European American chromosomes from a b road population by the NHLBI Exome Sequencing Project (. edu/EVS; dbSNP rs41258054).

Breakthrough Genomics
Classification: Benign. Review status: criteria provided, single submitter. Criteria: ACMG Guidelines, 2015. Collection method: not provided. Allele origin: germline. Inheritance: Autosomal dominant inheritance. Affected: yes.

PreventionGenetics, part of Exact Sciences
Classification: Benign. Review status: criteria provided, single submitter. Criteria: ACMG Guidelines, 2015. Collection method: clinical testing. Allele origin: germline.

Clinical Genetics DNA and cytogenetics Diagnostics Lab, Erasmus MC, Erasmus Medical Center
Classification: Benign. Review status: no assertion criteria provided. Collection method: clinical testing. Allele origin: germline. Affected: yes. Study: VKGL Data-share Consensus. Not counted in ClinVar's aggregate classification.

Clinical Genetics, Academic Medical Center
Classification: Benign. Review status: no assertion criteria provided. Collection method: clinical testing. Allele origin: germline. Affected: yes. Study: VKGL Data-share Consensus. Not counted in ClinVar's aggregate classification.

Joint Genome Diagnostic Labs from Nijmegen and Maastricht, Radboudumc and MUMC+
Classification: Benign. Review status: no assertion criteria provided. Collection method: clinical testing. Allele origin: germline. Affected: yes. Study: VKGL Data-share Consensus. Not counted in ClinVar's aggregate classification.